The following is an entry in ClinVar:

NM_000535.7(PMS2):c.2578T>C (p.Ser860Pro)

Gene: PMS2 (PMS1 homolog 2, mismatch repair system component; minus strand). Cytogenetic location: 7p22.1.
Variant type: single nucleotide variant.
Coding change: c.2578T>C on transcript NM_000535.7 (MANE Select); coding-DNA position 2578, T replaced by C.
Protein change: p.Ser860Pro; replaces serine 860 with proline.
Molecular consequence: missense variant. On other transcripts: non-coding transcript variant (1).
Genome position (GRCh38, 1-based): chr7:5,973,410, A>G on the plus strand (T>C on the coding strand, the complement: PMS2 is on the minus strand). VCF-style: chr7-5973410-A-G. GRCh37 (hg19) VCF-style: chr7-6013041-A-G.
Other names: c.2173T>C, p.Ser725Pro (NM_001322003.2, NM_001322004.2, NM_001322005.2 and 11 more transcripts); c.2422T>C, p.Ser808Pro (NM_001322006.2); c.2260T>C, p.Ser754Pro (NM_001322007.2, NM_001322008.2, NM_001406883.1); c.2206T>C, p.Ser736Pro (NM_001322009.2, NM_001406887.1, NM_001406888.1); c.2017T>C, p.Ser673Pro (NM_001322010.2, NM_001406906.1, NM_001406907.1); c.1645T>C, p.Ser549Pro (NM_001322011.2, NM_001322012.2); c.2005T>C, p.Ser669Pro (NM_001322013.2, NM_001406908.1, NM_001406909.1); c.2611T>C, p.Ser871Pro (NM_001322014.2); and 20 more; short protein forms S459P, S549P, S603P, S621P, S669P, S673P, S689P, S698P.
Identifiers: ClinVar variation 4802455 (VCV004802455.1).

ClinVar aggregate classification (germline): Uncertain significance (1 of 4 stars; one submission).

Conditions:
Hereditary nonpolyposis colorectal neoplasms. Identifiers: MedGen C0009405, MeSH D003123.

Submission:

Labcorp Genetics (formerly Invitae), Labcorp
Classification: Uncertain significance for Hereditary nonpolyposis colorectal neoplasms. Last evaluated: 2025-03-27. Review status: criteria provided, single submitter. Criteria: Invitae Variant Classification Sherloc (09022015). Collection method: clinical testing. Allele origin: germline.
Comment: This sequence change replaces serine, which is neutral and polar, with proline, which is neutral and non-polar, at codon 860 of the PMS2 protein (p.Ser860Pro). The frequency data for this variant in the population databases (gnomAD) is considered unreliable due to the presence of homologous sequence, such as pseudogenes or paralogs, in the genome. This variant has not been reported in the literature in individuals affected with PMS2-related conditions. Invitae Evidence Modeling incorporating data from in vitro experimental studies (internal data) indicates that this missense variant is not expected to disrupt PMS2 function with a negative predictive value of 95%. In summary, the available evidence is currently insufficient to determine the role of this variant in disease. Therefore, it has been classified as a Variant of Uncertain Significance.